The following is an entry in ClinVar:

NM_032108.4(SEMA6B):c.815G>A (p.Gly272Glu)

Gene: SEMA6B (semaphorin 6B; minus strand). Cytogenetic location: 19p13.3.
Variant type: single nucleotide variant.
Coding change: c.815G>A on transcript NM_032108.4 (MANE Select); coding-DNA position 815, G replaced by A.
Protein change: p.Gly272Glu; replaces glycine 272 with glutamic acid.
Molecular consequence: missense variant.
Genome position (GRCh38, 1-based): chr19:4,552,596, C>T on the plus strand (G>A on the coding strand, the complement: SEMA6B is on the minus strand). VCF-style: chr19-4552596-C-T. GRCh37 (hg19) VCF-style: chr19-4552608-C-T.
Other names: short protein forms G272E.
Identifiers: ClinVar variation 3952245 (VCV003952245.1).

ClinVar aggregate classification (germline): Uncertain significance (1 of 4 stars; one submission).

Conditions:
Inborn genetic diseases. Identifiers: MedGen C0950123, MeSH D030342.

Submission:

Ambry Genetics
Classification: Uncertain significance for Inborn genetic diseases. Last evaluated: 2025-04-14. Review status: criteria provided, single submitter. Criteria: Ambry Variant Classification Scheme 2023. Collection method: clinical testing. Allele origin: germline.
Comment: The c.815G>A (p.G272E) alteration is located in exon 10 (coding exon 9) of the SEMA6B gene. This alteration results from a G to A substitution at nucleotide position 815, causing the glycine (G) at amino acid position 272 to be replaced by a glutamic acid (E). This variant was not reported in population-based cohorts in the Genome Aggregation Database (gnomAD). This amino acid position is highly conserved in available vertebrate species. This alteration is predicted to be deleterious by in silico analysis. Based on insufficient or conflicting evidence, the clinical significance of this alteration remains unclear.